The following is an entry in ClinVar:

NM_000059.4(BRCA2):c.3235del (p.Ser1079fs)

Gene: BRCA2 (BRCA2 DNA repair associated; plus strand). Cytogenetic location: 13q13.1.
Variant type: Deletion.
Coding change: c.3235del on transcript NM_000059.4 (MANE Select); coding-DNA position 3235, one base deleted (T; older notation c.3235delT).
Protein change: p.Ser1079fs; shifts the reading frame from serine 1079.
Molecular consequence: frameshift variant.
Genome position (GRCh38, 1-based): chr13:32,337,590, T deleted; the last of 3 consecutive T bases (chr13:32,337,588-32,337,590); deleting any one gives the same sequence. VCF-style (leftmost placement, unchanged base first): chr13-32337587-GT-G. GRCh37 (hg19) VCF-style: chr13-32911724-GT-G.
Other names: c.3235delT (NM_000059.3); short protein forms S1079fs.
Identifiers: ClinVar variation 51429 (VCV000051429.21), dbSNP rs397507660, ClinGen allele CA017602.

ClinVar aggregate classification (germline): Pathogenic. Review status: reviewed by expert panel (3 of 4 stars). 4 submissions from 4 submitters: Pathogenic (1). 3 of the submissions do not count toward it. Last evaluated 2017-12-15.

Conditions:
Gastric cancer. Also called: Stomach cancer; Malignant tumor of stomach. Identifiers: MedGen C0024623, MeSH D013274, MONDO:0001056, OMIM 613659, HP:0012126.
Hereditary breast ovarian cancer syndrome. Also called: Hereditary breast and ovarian cancer syndrome; Breast and ovarian cancer; BRCA1- and BRCA2-Associated Hereditary Breast and Ovarian Cancer; Hereditary breast and/or ovarian cancer syndrome; Hereditary breast and ovarian cancer; Hereditary breast and ovarian cancer syndrome (HBOC). Identifiers: Orphanet 145, MedGen C0677776, MeSH D061325, MONDO:0003582. Disease mechanism: loss of function.
Breast-ovarian cancer, familial, susceptibility to, 2 (BROVCA2). Also called: BRCA2 Hereditary Breast and Ovarian Cancer. Identifiers: Orphanet 145, MedGen C2675520, MONDO:0012933, OMIM 612555. Disease mechanism: loss of function.
Familial cancer of breast. Also called: hereditary breast carcinoma; Hereditary breast cancer; BREAST CANCER, FAMILIAL. Identifiers: Orphanet 227535, MedGen C0346153, MONDO:0016419, OMIM 114480. Disease mechanism: loss of function.

Submissions (4):

Evidence-based Network for the Interpretation of Germline Mutant Alleles (ENIGMA)
Classification: Pathogenic for Breast-ovarian cancer, familial, susceptibility to, 2. Last evaluated: 2017-12-15. Review status: reviewed by expert panel. Criteria: ENIGMA BRCA1/2 Classification Criteria (2017-06-29). Collection method: curation. Allele origin: germline. Study: ENIGMA.
Comment: Variant allele predicted to encode a truncated non-functional protein.

Women's Health and Genetics/Laboratory Corporation of America, LabCorp
Classification: Pathogenic for Hereditary breast ovarian cancer syndrome. Last evaluated: 2023-09-29. Review status: criteria provided, single submitter. Criteria: LabCorp Variant Classification Summary - May 2015. Collection method: clinical testing. Allele origin: germline. Not counted in ClinVar's aggregate classification.
Comment: Variant summary: BRCA2 c.3235delT (p.Ser1079LeufsX8) results in a premature termination codon, predicted to cause a truncation of the encoded protein or absence of the protein due to nonsense mediated decay, which are commonly known mechanisms for disease. The variant was absent in 239916 control chromosomes (gnomAD). c.3235delT has been reported in the literature in individuals affected with Hereditary Breast And Ovarian Cancer Syndrome (e.g. Coulet_2010, Arai_2018). These data indicate that the variant may be associated with disease. To our knowledge, no experimental evidence demonstrating an impact on protein function has been reported. The following publications have been ascertained in the context of this evaluation (PMID: 29176636, 20858050). Two ClinVar submitters have assessed the variant since 2014, including one expert panel (ENIGMA): both submitters classified the variant as pathogenic. Based on the evidence outlined above, the variant was classified as pathogenic.

Laboratory for Genotyping Development, RIKEN
Classification: Pathogenic for Gastric cancer. Last evaluated: 2021-07-01. Review status: no assertion criteria provided. Collection method: research. Allele origin: germline. Not counted in ClinVar's aggregate classification.

ClinVar Staff, National Center for Biotechnology Information (NCBI)
No classification provided. Condition: Familial cancer of breast. Review status: no classification provided. Collection method: literature only. Allele origin: germline. Affected: yes. Not counted in ClinVar's aggregate classification.

Literature cited by the submitters: PubMed 20858050 (cited by Women's Health and Genetics/Laboratory Corporation of America, LabCorp and ClinVar Staff, National Center for Biotechnology Information (NCBI)); PubMed 29176636 (cited by Women's Health and Genetics/Laboratory Corporation of America, LabCorp); PubMed 36988593 (cited by Laboratory for Genotyping Development, RIKEN).